The following is an entry in ClinVar:

ClinVar aggregate classification (germline): Uncertain significance. Review status: criteria provided, multiple submitters, no conflicts (2 of 4 stars). 2 submissions from 2 submitters: Uncertain significance (2). Last evaluated 2024-01-09.

Conditions:
Epidermodysplasia verruciformis. Identifiers: Orphanet 302, MedGen C0014522, MONDO:0009176.
Inborn genetic diseases. Identifiers: MedGen C0950123, MeSH D030342.

gnomAD v4.1: 4 of 1,602,246 alleles (0.00025%); highest among the groups gnomAD compares: Non-Finnish European, 0.00025%; no homozygotes.

Submissions (2):

Ambry Genetics
Classification: Uncertain significance for Inborn genetic diseases. Last evaluated: 2024-01-09. Review status: criteria provided, single submitter. Criteria: Ambry Variant Classification Scheme 2023. Collection method: clinical testing. Allele origin: germline.

Labcorp Genetics (formerly Invitae), Labcorp
Classification: Uncertain significance for Epidermodysplasia verruciformis. Last evaluated: 2022-02-09. Review status: criteria provided, single submitter. Criteria: Invitae Variant Classification Sherloc (09022015). Collection method: clinical testing. Allele origin: germline.
Comment: This sequence change replaces alanine, which is neutral and non-polar, with valine, which is neutral and non-polar, at codon 432 of the TMC6 protein (p.Ala432Val). This variant is not present in population databases (gnomAD no frequency). This variant has not been reported in the literature in individuals affected with TMC6-related conditions. Algorithms developed to predict the effect of missense changes on protein structure and function output the following: SIFT: "Not Available"; PolyPhen-2: "Benign"; Align-GVGD: "Not Available". The valine amino acid residue is found in multiple mammalian species, which suggests that this missense change does not adversely affect protein function. In summary, the available evidence is currently insufficient to determine the role of this variant in disease. Therefore, it has been classified as a Variant of Uncertain Significance.

NM_001127198.5(TMC6):c.1295C>T (p.Ala432Val)

Gene: TMC6 (transmembrane channel like 6; minus strand). Cytogenetic location: 17q25.3.
Variant type: single nucleotide variant.
Coding change: c.1295C>T on transcript NM_001127198.5 (MANE Select); coding-DNA position 1295, C replaced by T.
Protein change: p.Ala432Val; replaces alanine 432 with valine.
Molecular consequence: missense variant. On other transcripts: non-coding transcript variant (4).
Genome position (GRCh38, 1-based): chr17:78,121,644, G>A on the plus strand (C>T on the coding strand, the complement: TMC6 is on the minus strand). VCF-style: chr17-78121644-G-A. GRCh37 (hg19) VCF-style: chr17-76117725-G-A.
Other names: c.1295C>T, p.Ala432Val (NM_001321185.1, NM_001374593.1, NM_001374594.1 and 4 more transcripts); short protein forms A432V.
Identifiers: ClinVar variation 1975160 (VCV001975160.3), dbSNP rs2145225212, ClinGen allele CA401229940.